The following is an entry in ClinVar:

NM_022455.5(NSD1):c.6317del (p.Lys2106fs)

Gene: NSD1 (nuclear receptor binding SET domain protein 1; plus strand). Cytogenetic location: 5q35.3.
Variant type: Deletion.
Coding change: c.6317del on transcript NM_022455.5 (MANE Select); coding-DNA position 6317, one base deleted (A; older notation c.6317delA).
Protein change: p.Lys2106fs; shifts the reading frame from lysine 2106.
Molecular consequence: frameshift variant.
Genome position (GRCh38, 1-based): chr5:177,292,012, A deleted; the last of 3 consecutive A bases (chr5:177,292,010-177,292,012); deleting any one gives the same sequence. VCF-style (leftmost placement, unchanged base first): chr5-177292009-GA-G. GRCh37 (hg19) VCF-style: chr5-176719010-GA-G.
Other names: c.5555delA, p.Lys1852Serfs (NM_001409306.1, NM_001409307.1); c.5444delA, p.Lys1815Serfs (NM_001409308.1, NM_001365684.2, NM_172349.5); c.5195delA, p.Lys1732Serfs (NM_001409309.1); c.6317delA, p.Lys2106Serfs (NM_001409301.1, NM_001409302.1, NM_001409303.1); c.5897delA, p.Lys1966Serfs (NM_001409304.1); c.5564delA, p.Lys1855Serfs (NM_001409305.1); short protein forms K1837fs, K2106fs.
Identifiers: ClinVar variation 566324 (VCV000566324.9), dbSNP rs1562305497, ClinGen allele CA891842457.
Genomic context (GRCh38, chr5:177,292,009, plus strand): 5'-TGTAGAATCAACCCATTGCCACGGAAGAAAAGTCAAAGAAATTCAAGAAGAAGCAACAGG[GA>G]AAGCGCAGGACCCAGGGTGAAATCACAAAGGAGCGAGAAGATGAGTGTTTTAGTTGTGGG-3'

ClinVar aggregate classification (germline): Pathogenic (1 of 4 stars; one submission).

Submission:

Labcorp Genetics (formerly Invitae), Labcorp
Classification: Pathogenic. Last evaluated: 2018-04-26. Review status: criteria provided, single submitter. Criteria: Invitae Variant Classification Sherloc (09022015). Collection method: clinical testing. Allele origin: germline.
Comment: For these reasons, this variant has been classified as Pathogenic. Different truncations (p.Gln2163*, p.Arg2187*, p.Glu2505Glyfs*73) that lie downstream of this variant has been determined to be pathogenic (PMID: 16247291, 15742365, Invitae). This suggests that deletion of this region of the NSD1 protein is causative of disease. This variant has not been reported in the literature in individuals with NSD1-related disease. This variant is not present in population databases (ExAC no frequency). This sequence change results in a premature translational stop signal in the NSD1 gene (p.Lys2106Serfs*44). While this is not anticipated to result in nonsense mediated decay, it is expected to disrupt the last 591 amino acids of the NSD1 protein.

Literature cited by the submitters: PubMed 16247291; PubMed 15742365.